The following is an entry in ClinVar:

ClinVar aggregate classification (germline): Conflicting classifications of pathogenicity. Review status: criteria provided, conflicting classifications (1 of 4 stars). 22 submissions from 22 submitters: Pathogenic (8); Likely pathogenic (6); Uncertain significance (4). 4 of the submissions do not count toward it. Last evaluated 2026-09-01.

Conditions:
Familial Mediterranean fever, autosomal dominant. Also called: Dominant Familial Mediterranean Fever; FMF, AUTOSOMAL DOMINANT. Identifiers: Orphanet 342, MedGen C1851347, MONDO:0007601, OMIM 134610.
Acute febrile neutrophilic dermatosis (AFND). Also called: Gomm Button disease; Sweet Syndrome. Identifiers: Orphanet 3243, MedGen C0085077, MONDO:0011959, OMIM 608068.
Familial Mediterranean fever (FMF). Also called: Periodic peritonitis; Benign paroxysmal peritonitis; POLYSEROSITIS, FAMILIAL PAROXYSMAL; POLYSEROSITIS, RECURRENT. Identifiers: Orphanet 342, MedGen C0031069, MONDO:0018088, OMIM 249100. Disease mechanism: gain of function.
Autoinflammatory syndrome. Identifiers: Orphanet 93665, MedGen C3890737, MONDO:0019751.
MEFV-related disorder. Also called: MEFV-related disorders; MEFV-related condition.

Allele frequency attached by ClinVar (database versions not stated): TOPMed 0.00001.
gnomAD v4.1: 47 of 1,614,046 alleles (0.0029%); highest among the groups gnomAD compares: Non-Finnish European, 0.0032%; no homozygotes.

Submissions 1 to 8 of 22:

CeGaT Center for Human Genetics Tuebingen
Classification: Likely pathogenic. Last evaluated: 2026-09-01. Review status: criteria provided, single submitter. Criteria: CeGaT Center For Human Genetics Tuebingen Variant Classification Criteria Version 2. Collection method: clinical testing. Allele origin: germline. Affected: yes. Observed: 11 variant alleles.
Comment: MEFV: PM3:Very Strong, PM2, BP4

Women's Health and Genetics/Laboratory Corporation of America, LabCorp
Classification: Uncertain significance. Last evaluated: 2026-06-02. Review status: criteria provided, single submitter. Criteria: LabCorp Variant Classification Summary - May 2015. Collection method: clinical testing. Allele origin: germline.
Comment: Variant summary: MEFV c.1437C>G (p.Phe479Leu) results in a non-conservative amino acid change in the encoded protein sequence. Algorithms developed to predict the effect of missense changes on protein structure and function are either unavailable or do not agree on the potential impact of this missense change. The variant allele was found at a frequency of 4e-05 in 251496 control chromosomes. This frequency is not significantly higher than estimated for disease-causing variants in MEFV, allowing no conclusion about variant significance. c.1437C>G has been observed in individual(s) affected with Familial Mediterranean Fever, often reported in cis with c.501G>C (p.Glu167Asp). The limited extent of genotyping or unclear specification of phase preclude the clear association of this specific variant in association with the phenotype of Familial Mediterranean Fever (Bernot_1998, Ayesh_2005, Jarjour_2010, Moutereau_2004, Moradian_2010, Sabbagh_2008, Neocleous_2014, Jamilloux_2018, Balc-Peynirciolu_2020, Balta_2020, Tanatar_2020). These report(s) do not provide unequivocal conclusions about association of the variant with Familial Mediterranean Fever. To our knowledge, no experimental evidence demonstrating an impact on protein function has been reported. The following publications have been ascertained in the context of this evaluation (PMID: 15951859, 31598713, 31989427, 9668175, 35098403, 29040788, 19253030, 20485448, 15146467, 25393764, 34328662, 17566872, 33726481, 31646357). ClinVar contains an entry for this variant (Variation ID: 2545). Based on the evidence outlined above, the variant was classified as uncertain significance.

Division of Clinical Immunology and Allergy, Necmettin Erbakan University, Faculty of Medicine
Classification: Likely pathogenic for Familial Mediterranean fever; Familial Mediterranean fever, autosomal dominant; Acute febrile neutrophilic dermatosis. Last evaluated: 2026-05-14. Review status: criteria provided, single submitter. Criteria: ACMG Guidelines, 2015. Collection method: clinical testing. Allele origin: germline. Observed: 1 variant allele.

ARUP Laboratories, Molecular Genetics and Genomics, ARUP Laboratories
Classification: Uncertain significance. Last evaluated: 2025-11-13. Review status: criteria provided, single submitter. Criteria: ARUP Molecular Germline Variant Investigation Process 2024. Collection method: clinical testing. Allele origin: germline.
Comment: The MEFV c.1437C>G; p.Phe479Leu variant (rs104895083, ClinVar Variation ID: 2545) is reported in the heterozygous, homozygous, and compound heterozygous state in individuals with a clinical diagnosis of familial Mediterranean fever (FMF) and is often found on the same chromosome as c.501G>C; p.Glu167Asp (Ayesh 2008, Bernot 1998, Kriegshauser 2018, Moradian 2014, Moussa 2015, Neocleous 2015, Touitou 2001). The c.1437C>G; p.Phe479Leu variant is found in the non-Finnish European population with an allele frequency of 0.009% (12/129,204 alleles) in the Genome Aggregation Database (v2.1.1). Computational analyses are uncertain whether this variant is neutral or deleterious (REVEL: 0.305). In vitro functional analyses demonstrate that cells transfected with the variant are more susceptible to cell death when stimulated with UCN-01 but not TcdA in comparison to wildtype (Honda 2021). Due to the uncertainty regarding the pathogenicity of the p.Phe479Leu variant when found individually, the clinical significance of the p.Phe479Leu variant is uncertain at this time. References: Ayesh S et al. Molecular analysis of MEFV gene mutations among Palestinian patients with Behcet's disease. Scand J Rheumatol. 2008 Sep-Oct;37(5):370-4. PMID: 18609258 Bernot A et al. Non-founder mutations in the MEFV gene establish this gene as the cause of familial Mediterranean fever (FMF). Hum Mol Genet. 1998 Aug;7(8):1317-25. PMID: 9668175 Honda Y et al. Rapid Flow Cytometry-Based Assay for the Functional Classification of MEFV Variants. J Clin Immunol. 2021 Aug;41(6):1187-1197. PMID: 33733382 Kriegshauser G et al. Clinical and genetic heterogeneity in a large cohort of Armenian patients with late-onset familial Mediterranean fever. Genet Med. 2018 Dec;20(12):1583-1588. PMID: 29543225 Moradian MM et al. Patient management and the association of less common familial Mediterranean fever symptoms with other disorders. Genet Med. 2014 Mar;16(3):258-63. PMID: 23907647 Moussa T et al. Overlap of familial Mediterranean fever and hyper-IgD syndrome in an Arabic kindred. J Clin Immunol. 2015 Apr;35(3):249-53. PMID: 25708585 Neocleous V et al. Familial Mediterranean fever associated with MEFV mutations in a large cohort of Cypriot patients. Ann Hum Genet. 2015 Jan;79(1):20-7. PMID: 25393764 Touitou I et al. The spectrum of Familial Mediterranean Fever (FMF) mutations. Eur J Hum Genet. 2001 Jul;9(7):473-83. PMID: 11464238

Natera, Inc.
Classification: Pathogenic for Familial Mediterranean fever. Last evaluated: 2025-08-26. Review status: criteria provided, single submitter. Criteria: Natera Variant Classification Schema (03/2026). Collection method: clinical testing. Allele origin: germline.
Comment: The c.1437C>G variant in MEFV is a missense variant predicted to cause substitution of phenylalanine to leucine at amino acid 479. This variant is rare in the general population with a frequency below the threshold expected for the associated phenotype(s). This variant has been observed in one or more individuals affected with the associated recessive disease, as either homozygous or compound heterozygous with a second variant (PMID: 27105876, 31989427, 30624866, 36215175, 17566872). Another variant at this same site results in an alteration predicted to cause a similar molecular effect has been observed in individual(s) with the associated phenotype. Multiple computational prediction algorithms suggest this variant is unlikely to affect gene or protein function. Given the available evidence, this variant is classified as Pathogenic.

Labcorp Genetics (formerly Invitae), Labcorp
Classification: Uncertain significance for Familial Mediterranean fever. Last evaluated: 2025-01-24. Review status: criteria provided, single submitter. Criteria: Invitae Variant Classification Sherloc (09022015). Collection method: clinical testing. Allele origin: germline.
Comment: This sequence change replaces phenylalanine, which is neutral and non-polar, with leucine, which is neutral and non-polar, at codon 479 of the MEFV protein (p.Phe479Leu). This variant is present in population databases (rs104895083, gnomAD 0.009%). This variant has been observed frequently in cis (on the same chromosome) with the MEFV p.Glu167Asp variant in individuals with MEFV-related disorders with variable phenotypes and a wide range of severity (including asymptomatic individuals) (PMID: 9668175, 11175300, 25708585, 25393764, 22975760, 23907647, 26351556, 29363386, 29178647). In some of these individuals, an additional MEFV variant was not identified on the opposite allele, while in others, multiple additional MEFV variants were identified. Segregation studies have not been reported for this variant. ClinVar contains an entry for this variant (Variation ID: 2545). An algorithm developed to predict the effect of missense changes on protein structure and function outputs the following: PolyPhen-2: "Benign". The leucine amino acid residue is found in multiple mammalian species, which suggests that this missense change does not adversely affect protein function. In summary, the available evidence is currently insufficient to determine the role of this variant in disease. Therefore, it has been classified as a Variant of Uncertain Significance.

Blueprint Genetics
Classification: Pathogenic for MEFV-related disorders. Last evaluated: 2024-11-21. Review status: criteria provided, single submitter. Criteria: ACMG Guidelines, 2015. Collection method: clinical testing. Allele origin: germline. Affected: yes. Observed: 5 variant alleles.

Institute of Immunology and Genetics Kaiserslautern
Classification: Likely pathogenic for Familial Mediterranean fever, autosomal dominant; Familial Mediterranean fever. Last evaluated: 2024-08-27. Review status: criteria provided, single submitter. Criteria: ACMG Guidelines, 2015. Collection method: clinical testing. Allele origin: germline. Affected: yes.
Comment: ACMG Criteria: PS4, PM3, PM2_P, PP5; Variant was found in heterozygous state

NM_000243.3(MEFV):c.1437C>G (p.Phe479Leu)

Gene: MEFV (MEFV innate immunity regulator, pyrin; minus strand). Cytogenetic location: 16p13.3.
Variant type: single nucleotide variant.
Coding change: c.1437C>G on transcript NM_000243.3 (MANE Select); coding-DNA position 1437, C replaced by G.
Protein change: p.Phe479Leu; replaces phenylalanine 479 with leucine.
Molecular consequence: missense variant.
Genome position (GRCh38, 1-based): chr16:3,247,166, G>C on the plus strand (C>G on the coding strand, the complement: MEFV is on the minus strand). VCF-style: chr16-3247166-G-C. GRCh37 (hg19) VCF-style: chr16-3297166-G-C.
Other names: c.804C>G, p.Phe268Leu (NM_001198536.2); short protein forms F479L, F268L.
Identifiers: ClinVar variation 2545 (VCV000002545.81), dbSNP rs104895083, ClinGen allele CA280103.
Genomic context (GRCh38, chr16:3,247,166, plus strand): 5'-GTCATATGCCTTCCTGATCTGCCCAACCATCTGGCCCACGTCCTCCAGTGAGGCCACAAA[G>C]AAATGCTCTTGCTGCTCCAGGAAGTAGTACACCTGCTCCAGCTTCCTCTGCACCCGCTGC-3'
Protein context (NP_000234.1, residues 469-489): VYYFLEQQEH[Phe479Leu]FVASLEDVGQ